The following is an entry in ClinVar:

NM_001025616.3(ARHGAP24):c.1605C>G (p.Val535=)

Gene: ARHGAP24 (Rho GTPase activating protein 24; plus strand). Cytogenetic location: 4q21.23.
Variant type: single nucleotide variant.
Coding change: c.1605C>G on transcript NM_001025616.3 (MANE Select); coding-DNA position 1605, C replaced by G.
Protein change: p.Val535=; no amino-acid change (valine 535 retained).
Molecular consequence: synonymous variant.
Genome position (GRCh38, 1-based): chr4:85,995,259, C>G. VCF-style: chr4-85995259-C-G. GRCh37 (hg19) VCF-style: chr4-86916412-C-G.
Other names: c.1320C>G, p.Val440= (NM_001042669.2); c.1350C>G, p.Val450= (NM_001287805.2); c.1026C>G, p.Val342= (NM_001346093.2); c.1326C>G, p.Val442= (NM_031305.3).
Identifiers: ClinVar variation 3352361 (VCV003352361.1).

ClinVar aggregate classification (germline): Likely benign (0 of 4 stars; one submission).

Conditions:
ARHGAP24-related disorder. Also called: ARHGAP24-related condition.

gnomAD v4.1: 10 of 1,614,024 alleles (0.00062%); highest among the groups gnomAD compares: Non-Finnish European, 0.00017%; no homozygotes.

Submission:

PreventionGenetics, part of Exact Sciences
Classification: Likely benign for ARHGAP24-related condition. Last evaluated: 2024-07-28. Review status: no assertion criteria provided. Collection method: clinical testing. Allele origin: germline.
Comment: This variant is classified as likely benign based on ACMG/AMP sequence variant interpretation guidelines (Richards et al. 2015 PMID: 25741868, with internal and published modifications).